The following is an entry in ClinVar:

NM_025074.7(FRAS1):c.2342del (p.Pro781fs)

Gene: FRAS1 (Fraser extracellular matrix complex subunit 1; plus strand). Cytogenetic location: 4q21.21.
Variant type: Deletion.
Coding change: c.2342del on transcript NM_025074.7 (MANE Select); coding-DNA position 2342, one base deleted (C; older notation c.2342delC).
Protein change: p.Pro781fs; shifts the reading frame from proline 781.
Molecular consequence: frameshift variant.
Genome position (GRCh38, 1-based): chr4:78,337,737, C deleted; the last of 3 consecutive C bases (chr4:78,337,735-78,337,737); deleting any one gives the same sequence. VCF-style (leftmost placement, unchanged base first): chr4-78337734-AC-A. GRCh37 (hg19) VCF-style: chr4-79258888-AC-A.
Other names: c.2342del, p.Pro781fs (NM_001166133.2); short protein forms P781fs.
Identifiers: ClinVar variation 2838112 (VCV002838112.3), dbSNP rs2476797711, ClinGen allele CA2671111002.

ClinVar aggregate classification (germline): Pathogenic (1 of 4 stars; one submission).

Submission:

Labcorp Genetics (formerly Invitae), Labcorp
Classification: Pathogenic. Last evaluated: 2023-02-16. Review status: criteria provided, single submitter. Criteria: Invitae Variant Classification Sherloc (09022015). Collection method: clinical testing. Allele origin: germline.
Comment: This sequence change creates a premature translational stop signal (p.Pro781Leufs*189) in the FRAS1 gene. It is expected to result in an absent or disrupted protein product. Loss-of-function variants in FRAS1 are known to be pathogenic (PMID: 12766769, 18671281). For these reasons, this variant has been classified as Pathogenic. This variant has not been reported in the literature in individuals affected with FRAS1-related conditions. This variant is not present in population databases (gnomAD no frequency).

Literature cited by the submitters: PubMed 12766769; PubMed 18671281.